The following is an entry in ClinVar:

ClinVar aggregate classification (germline): Uncertain significance (1 of 4 stars; one submission).

Allele frequency attached by ClinVar (database versions not stated): TOPMed 0.00001; gnomAD 0.00003.
gnomAD v4.1: 9 of 1,613,866 alleles (0.00056%); highest among the groups gnomAD compares: Admixed American, 0.0067%; no homozygotes.

Submission:

Labcorp Genetics (formerly Invitae), Labcorp
Classification: Uncertain significance. Last evaluated: 2025-09-30. Review status: criteria provided, single submitter. Criteria: Invitae Variant Classification Sherloc (09022015). Collection method: clinical testing. Allele origin: germline.
Comment: This sequence change replaces proline, which is neutral and non-polar, with serine, which is neutral and polar, at codon 203 of the DCHS1 protein (p.Pro203Ser). This variant is present in population databases (no rsID available, gnomAD 0.06%). This variant has not been reported in the literature in individuals affected with DCHS1-related conditions. ClinVar contains an entry for this variant (Variation ID: 1897343). Invitae Evidence Modeling of protein sequence and biophysical properties (such as structural, functional, and spatial information, amino acid conservation, physicochemical variation, residue mobility, and thermodynamic stability) indicates that this missense variant is not expected to disrupt DCHS1 protein function with a negative predictive value of 95%. In summary, the available evidence is currently insufficient to determine the role of this variant in disease. Therefore, it has been classified as a Variant of Uncertain Significance.

NM_003737.4(DCHS1):c.607C>T (p.Pro203Ser)

Gene: DCHS1 (dachsous cadherin-related 1; minus strand). Cytogenetic location: 11p15.4.
Variant type: single nucleotide variant.
Coding change: c.607C>T on transcript NM_003737.4 (MANE Select); coding-DNA position 607, C replaced by T.
Protein change: p.Pro203Ser; replaces proline 203 with serine.
Molecular consequence: missense variant.
Genome position (GRCh38, 1-based): chr11:6,641,007, G>A on the plus strand (C>T on the coding strand, the complement: DCHS1 is on the minus strand). VCF-style: chr11-6641007-G-A. GRCh37 (hg19) VCF-style: chr11-6662238-G-A.
Other names: short protein forms P203S.
Identifiers: ClinVar variation 1897343 (VCV001897343.5), dbSNP rs910497672, ClinGen allele CA217303459.
Genomic context (GRCh38, chr11:6,641,007, plus strand): 5'-GCATATAGTGTGAGCGGTTCTCTCGGTCCAGTTCCCCAGTAACTACCAGCTCAGGTACTG[G>A]AGTCCCATCTGGACCGGGGCGTGTCTCCAGCCGGAAGGTCTCTCCAGCCCCATCACCAGA-3'
Protein context (NP_003728.1, residues 193-213): LETRPGPDGT[Pro203Ser]VPELVVTGEL